The following is an entry in ClinVar:

ClinVar aggregate classification (germline): Uncertain significance. Review status: criteria provided, multiple submitters, no conflicts (2 of 4 stars). 2 submissions from 2 submitters: Uncertain significance (2). Last evaluated 2025-12-22.

Allele frequency attached by ClinVar (database versions not stated): ExAC 0.00006; 1000 Genomes Project 30x 0.00016; TOPMed 0.00020; gnomAD 0.00025; ESP Exome Variant Server 0.00034.
gnomAD v4.1: 65 of 1,614,146 alleles (0.004%); highest among the groups gnomAD compares: African/African-American, 0.083%; no homozygotes.

Submissions (2):

Labcorp Genetics (formerly Invitae), Labcorp
Classification: Uncertain significance. Last evaluated: 2025-12-22. Review status: criteria provided, single submitter. Criteria: Invitae Variant Classification Sherloc (09022015). Collection method: clinical testing. Allele origin: germline.
Comment: This sequence change replaces proline, which is neutral and non-polar, with leucine, which is neutral and non-polar, at codon 502 of the NPAT protein (p.Pro502Leu). This variant is present in population databases (rs370720604, gnomAD 0.1%), and has an allele count higher than expected for a pathogenic variant. This variant has not been reported in the literature in individuals affected with NPAT-related conditions. ClinVar contains an entry for this variant (Variation ID: 1774077). An algorithm developed to predict the effect of missense changes on protein structure and function (PolyPhen-2) suggests that this variant is likely to be tolerated. In summary, the available evidence is currently insufficient to determine the role of this variant in disease. Therefore, it has been classified as a Variant of Uncertain Significance.

Ambry Genetics
Classification: Uncertain significance. Last evaluated: 2024-12-31. Review status: criteria provided, single submitter. Criteria: Ambry Variant Classification Scheme 2023. Collection method: clinical testing. Allele origin: germline.

NM_002519.3(NPAT):c.1505C>T (p.Pro502Leu)

Gene: NPAT (nuclear protein, coactivator of histone transcription; minus strand). Cytogenetic location: 11q22.3.
Variant type: single nucleotide variant.
Coding change: c.1505C>T on transcript NM_002519.3 (MANE Select); coding-DNA position 1505, C replaced by T.
Protein change: p.Pro502Leu; replaces proline 502 with leucine.
Molecular consequence: missense variant.
Genome position (GRCh38, 1-based): chr11:108,173,479, G>A on the plus strand (C>T on the coding strand, the complement: NPAT is on the minus strand). VCF-style: chr11-108173479-G-A. GRCh37 (hg19) VCF-style: chr11-108044206-G-A.
Other names: c.1505C>T, p.Pro502Leu (NM_001321307.1); short protein forms P502L.
Identifiers: ClinVar variation 1774077 (VCV001774077.8), dbSNP rs370720604, ClinGen allele CA6263978.
Genomic context (GRCh38, chr11:108,173,479, plus strand): 5'-TCATTGTTAGCTTCACAACCAAGTGAAACAAATGAAGTTATTGGTATATCAGGCTGATCA[G>A]GCTGTAACTGAGATTCACTCGGTACATTTGAAGACAAAGAGTTCTTTTCAATCCCTATAG-3'
Protein context (NP_002510.2, residues 492-512): SNVPSESQLQ[Pro502Leu]DQPDIPITSF